The following is an entry in ClinVar:

ClinVar aggregate classification (germline): Likely benign. Review status: criteria provided, multiple submitters, no conflicts (2 of 4 stars). 2 submissions from 2 submitters: Likely benign (2). Last evaluated 2025-09-10.

Conditions:
Familial cancer of breast. Also called: Hereditary breast cancer; hereditary breast carcinoma; BREAST CANCER, FAMILIAL. Identifiers: Orphanet 227535, MedGen C0346153, MONDO:0016419, OMIM 114480. Disease mechanism: loss of function.
Ataxia-telangiectasia syndrome (AT). Also called: Ataxia telangiectasia (A-T); ATAXIA-TELANGIECTASIA, COMPLEMENTATION GROUP A; ATAXIA-TELANGIECTASIA, FRESNO VARIANT; Ataxia-telangiectasia; Ataxia-telangiectasia, complementation group E; LOUIS-BAR SYNDROME. Identifiers: Orphanet 100, MedGen C0004135, MONDO:0008840, OMIM 208900.

Allele frequency attached by ClinVar (database versions not stated): TOPMed below 0.00001.

Submissions (2):

Labcorp Genetics (formerly Invitae), Labcorp
Classification: Likely benign for Ataxia-telangiectasia syndrome. Last evaluated: 2025-09-10. Review status: criteria provided, single submitter. Criteria: Invitae Variant Classification Sherloc (09022015). Collection method: clinical testing. Allele origin: germline.

Myriad Genetics, Inc.
Classification: Likely benign for Familial cancer of breast. Last evaluated: 2024-06-05. Review status: criteria provided, single submitter. Criteria: Myriad Autosomal Dominant, Autosomal Recessive and X-Linked Classification Criteria (2023). Collection method: clinical testing. Allele origin: unknown.
Comment: This variant is considered likely benign. This variant is intronic and is not expected to impact mRNA splicing.

NM_000051.4(ATM):c.6199-8C>T

Genes: ATM (ATM serine/threonine kinase; plus strand), C11orf65 (chromosome 11 open reading frame 65; minus strand). Cytogenetic location: 11q22.3.
Variant type: single nucleotide variant.
Coding change: c.6199-8C>T on transcript NM_000051.4 (MANE Select); 8 bases into the intron before coding-DNA position 6199, C replaced by T.
Molecular consequence: intron variant.
Genome position (GRCh38, 1-based): chr11:108,317,365, C>T. VCF-style: chr11-108317365-C-T. GRCh37 (hg19) VCF-style: chr11-108188092-C-T.
Other names: c.6199-8C>T (NM_001351834.2); c.641-8294G>A (NM_001330368.2); c.*39-8294G>A (NM_001351110.2).
Identifiers: ClinVar variation 1144584 (VCV001144584.10), dbSNP rs1254806505, ClinGen allele CA671421768.